The following is an entry in ClinVar:

ClinVar aggregate classification (germline): Uncertain significance (1 of 4 stars; one submission).

Conditions:
Hereditary cancer-predisposing syndrome. Also called: Neoplastic Syndromes, Hereditary; Tumor predisposition; Hereditary neoplastic syndrome; Hereditary Cancer Syndrome. Identifiers: Orphanet 140162, MedGen C0027672, MeSH D009386, MONDO:0015356.

Submission:

Ambry Genetics
Classification: Uncertain significance for Hereditary cancer-predisposing syndrome. Last evaluated: 2026-07-01. Review status: criteria provided, single submitter. Criteria: Ambry Variant Classification Scheme 2023. Collection method: clinical testing. Allele origin: germline.
Comment: The p.T540R variant (also known as c.1619C>G), located in coding exon 11 of the MSH3 gene, results from a C to G substitution at nucleotide position 1619. The threonine at codon 540 is replaced by arginine, an amino acid with similar properties. This amino acid position is conserved. In addition, the in silico prediction for this alteration is inconclusive. Based on the available evidence, the clinical significance of this variant remains unclear.

NM_002439.5(MSH3):c.1619C>G (p.Thr540Arg)

Gene: MSH3 (mutS homolog 3; plus strand). Cytogenetic location: 5q14.1.
Variant type: single nucleotide variant.
Coding change: c.1619C>G on transcript NM_002439.5 (MANE Select); coding-DNA position 1619, C replaced by G.
Protein change: p.Thr540Arg; replaces threonine 540 with arginine.
Molecular consequence: missense variant.
Genome position (GRCh38, 1-based): chr5:80,741,514, C>G. VCF-style: chr5-80741514-C-G. GRCh37 (hg19) VCF-style: chr5-80037333-C-G.
Other names: short protein forms T540R.
Identifiers: ClinVar variation 5024755 (VCV005024755.1).